The following is an entry in ClinVar:

ClinVar aggregate classification (germline): Pathogenic (1 of 4 stars; one submission).

Submission:

Labcorp Genetics (formerly Invitae), Labcorp
Classification: Pathogenic. Last evaluated: 2024-10-25. Review status: criteria provided, single submitter. Criteria: Invitae Variant Classification Sherloc (09022015). Collection method: clinical testing. Allele origin: germline.
Comment: This sequence change creates a premature translational stop signal (p.Met326Cysfs*10) in the TNFRSF11A gene. It is expected to result in an absent or disrupted protein product. Loss-of-function variants in TNFRSF11A are known to be pathogenic (PMID: 10677500, 18606301, 22271396). This variant is not present in population databases (gnomAD no frequency). This variant has not been reported in the literature in individuals affected with TNFRSF11A-related conditions. For these reasons, this variant has been classified as Pathogenic.

Literature cited by the submitters: PubMed 10677500; PubMed 18606301; PubMed 22271396.

NM_003839.4(TNFRSF11A):c.975del (p.Met326fs)

Gene: TNFRSF11A (TNF receptor superfamily member 11a; plus strand). Cytogenetic location: 18q21.33.
Variant type: Deletion.
Coding change: c.975del on transcript NM_003839.4 (MANE Select); coding-DNA position 975, one base deleted (G; older notation c.975delG).
Protein change: p.Met326fs; shifts the reading frame from methionine 326.
Molecular consequence: frameshift variant. On other transcripts: intron variant (3).
Genome position (GRCh38, 1-based): chr18:62,368,892, G deleted; the last of 2 consecutive G bases (chr18:62,368,891-62,368,892); deleting either gives the same sequence. VCF-style (leftmost placement, unchanged base first): chr18-62368890-AG-A. GRCh37 (hg19) VCF-style: chr18-60036123-AG-A.
Other names: c.933del, p.Met312fs (NM_001278268.2); c.783+2132del (NM_001270949.2); c.730+7099del (NM_001270950.2); c.616+8843del (NM_001270951.2); short protein forms M326fs, M312fs.
Identifiers: ClinVar variation 2866721 (VCV002866721.3), dbSNP rs2511591727, ClinGen allele CA2739276321.
Genomic context (GRCh38, chr18:62,368,890, plus strand): 5'-GGTGGTGTCTGTCAGGGCACATGTGTAGGAGGTGGTCCCTACGCACAAGGCGAAGATGCC[AG>A]GATGCTCTCATTGGTCAGCAAGACCGAGATAGAGGAAGACAGCTTCAGACAGATGCCCAC-3'